The following is an entry in ClinVar:

ClinVar aggregate classification (germline): Uncertain significance (1 of 4 stars; one submission).

Submission:

GeneDx
Classification: Uncertain significance. Last evaluated: 2025-08-13. Review status: criteria provided, single submitter. Criteria: GeneDx Variant Classification Process June 2021. Collection method: clinical testing. Allele origin: germline. Affected: yes.
Comment: Not observed at significant frequency in large population cohorts (gnomAD); In silico analysis suggests that this missense variant does not alter protein structure/function; Has not been previously published as pathogenic or benign to our knowledge

NM_001353345.2(SETD1B):c.3425C>A (p.Thr1142Lys)

Gene: SETD1B (SET domain containing 1B, histone lysine methyltransferase; plus strand). Cytogenetic location: 12q24.31.
Variant type: single nucleotide variant.
Coding change: c.3425C>A on transcript NM_001353345.2 (MANE Select); coding-DNA position 3425, C replaced by A.
Protein change: p.Thr1142Lys; replaces threonine 1142 with lysine.
Molecular consequence: missense variant.
Genome position (GRCh38, 1-based): chr12:121,819,410, C>A. VCF-style: chr12-121819410-C-A. GRCh37 (hg19) VCF-style: chr12-122257316-C-A.
Other names: short protein forms T1142K.
Identifiers: ClinVar variation 4795694 (VCV004795694.1).